The following is an entry in ClinVar:

NM_213599.3(ANO5):c.1922G>A (p.Arg641His)

Gene: ANO5 (anoctamin 5; plus strand). Cytogenetic location: 11p14.3.
Variant type: single nucleotide variant.
Coding change: c.1922G>A on transcript NM_213599.3 (MANE Select); coding-DNA position 1922, G replaced by A.
Protein change: p.Arg641His; replaces arginine 641 with histidine.
Molecular consequence: missense variant.
Genome position (GRCh38, 1-based): chr11:22,270,335, G>A. VCF-style: chr11-22270335-G-A. GRCh37 (hg19) VCF-style: chr11-22291881-G-A.
Other names: c.1919G>A, p.Arg640His (NM_001142649.2); c.1922G>A (NM_213599.2); short protein forms R641H, R640H.
Identifiers: ClinVar variation 1421070 (VCV001421070.9), dbSNP rs200265848, ClinGen allele CA5923407.
Genomic context (GRCh38, chr11:22,270,335, plus strand): 5'-TCCTATTTCATATATTAACTTTTATCACTTCCAACAGCTTGGCTTTGAATTGGTGGAGAC[G>A]CCGAAAAGCTCGGACAAACTCTGAGAAGCTGTATAGTCGATGGGAGCAGGATCATGACCT-3'
Protein context (NP_998764.1, residues 631-651): IYPLALNWWR[Arg641His]RKARTNSEKL

ClinVar aggregate classification (germline): Uncertain significance. Review status: criteria provided, multiple submitters, no conflicts (2 of 4 stars). 3 submissions from 3 submitters: Uncertain significance (3). Last evaluated 2024-05-13.

Conditions:
Gnathodiaphyseal dysplasia (GDD). Also called: GNATHODIAPHYSEAL SCLEROSIS; OSTEOGENESIS IMPERFECTA WITH UNUSUAL SKELETAL LESIONS. Identifiers: Orphanet 53697, MedGen C1833736, MONDO:0008151, OMIM 166260.
Autosomal recessive limb-girdle muscular dystrophy type 2L (LGMDR12). Also called: MUSCULAR DYSTROPHY, LIMB-GIRDLE, AUTOSOMAL RECESSIVE 12; Limb-girdle muscular dystrophy, type 2L; Limb-Girdle Muscular Dystrophy R12 Anoctamin-5-Related (LGMD-R12). Identifiers: Orphanet 206549, MedGen C1969785, MONDO:0012652, OMIM 611307.

Allele frequency attached by ClinVar (database versions not stated): ExAC 0.00001; gnomAD 0.00001 and 0.00002; gnomAD exomes 0.00001 and 0.00002; TOPMed 0.00001; 1000 Genomes Project 30x 0.00016; 1000 Genomes Project 0.00020.
gnomAD v4.1: 16 of 1,614,086 alleles (0.00099%); highest among the groups gnomAD compares: East Asian, 0.018%; no homozygotes.

Submissions (3):

Blueprint Genetics
Classification: Uncertain significance. Last evaluated: 2024-05-13. Review status: criteria provided, single submitter. Criteria: ACMG Guidelines, 2015. Collection method: clinical testing. Allele origin: germline.

Revvity Omics, Revvity
Classification: Uncertain significance. Last evaluated: 2023-08-28. Review status: criteria provided, single submitter. Criteria: ACMG Guidelines, 2015. Collection method: clinical testing. Allele origin: germline.

Labcorp Genetics (formerly Invitae), Labcorp
Classification: Uncertain significance for Autosomal recessive limb-girdle muscular dystrophy type 2L; Gnathodiaphyseal dysplasia. Last evaluated: 2022-11-08. Review status: criteria provided, single submitter. Criteria: Invitae Variant Classification Sherloc (09022015). Collection method: clinical testing. Allele origin: germline.
Comment: Algorithms developed to predict the effect of missense changes on protein structure and function (SIFT, PolyPhen-2, Align-GVGD) all suggest that this variant is likely to be tolerated. In summary, the available evidence is currently insufficient to determine the role of this variant in disease. Therefore, it has been classified as a Variant of Uncertain Significance. ClinVar contains an entry for this variant (Variation ID: 1421070). This sequence change replaces arginine, which is basic and polar, with histidine, which is basic and polar, at codon 641 of the ANO5 protein (p.Arg641His). This variant is present in population databases (rs200265848, gnomAD 0.02%). This variant has not been reported in the literature in individuals affected with ANO5-related conditions.